The following is an entry in ClinVar:

NM_000548.5(TSC2):c.5365G>A (p.Glu1789Lys)

Gene: TSC2 (TSC complex subunit 2; plus strand). Cytogenetic location: 16p13.3.
Variant type: single nucleotide variant.
Coding change: c.5365G>A on transcript NM_000548.5 (MANE Select); coding-DNA position 5365, G replaced by A.
Protein change: p.Glu1789Lys; replaces glutamic acid 1789 with lysine.
Molecular consequence: missense variant.
Genome position (GRCh38, 1-based): chr16:2,088,551, G>A. VCF-style: chr16-2088551-G-A. GRCh37 (hg19) VCF-style: chr16-2138552-G-A.
Other names: c.5164G>A, p.Glu1722Lys (NM_001077183.3); c.5296G>A, p.Glu1766Lys (NM_001114382.3); c.5056G>A, p.Glu1686Lys (NM_001318827.2); c.5020G>A, p.Glu1674Lys (NM_001318829.2); c.4633G>A, p.Glu1545Lys (NM_001318831.2); c.5197G>A, p.Glu1733Lys (NM_001318832.2); c.5167G>A, p.Glu1723Lys (NM_001363528.2); c.5233G>A, p.Glu1745Lys (NM_001370404.1); and 2 more; short protein forms E1545K, E1686K, E1746K, E1722K, E1723K, E1742K, E1674K, E1733K.
Identifiers: ClinVar variation 941665 (VCV000941665.10), dbSNP rs45517420, ClinGen allele CA394315853.

ClinVar aggregate classification (germline): Conflicting classifications of pathogenicity. Review status: criteria provided, conflicting classifications (1 of 4 stars). 2 submissions from 2 submitters: Uncertain significance (1); Benign (1). Last evaluated 2025-11-16.

Conditions:
Hereditary cancer-predisposing syndrome. Also called: Tumor predisposition; Hereditary neoplastic syndrome; Neoplastic Syndromes, Hereditary; Hereditary Cancer Syndrome. Identifiers: Orphanet 140162, MedGen C0027672, MeSH D009386, MONDO:0015356.
Tuberous sclerosis 2 (TSC2). Identifiers: Orphanet 805, MedGen C1860707, MONDO:0013199, OMIM 613254.

Allele frequency attached by ClinVar (database versions not stated): gnomAD exomes below 0.00001 and 0.00001; TOPMed 0.00001.
gnomAD v4.1: 3 of 1,611,716 alleles (0.00019%); highest among the groups gnomAD compares: Non-Finnish European, 0.00025%; no homozygotes.

Submissions (2):

Ambry Genetics
Classification: Uncertain significance for Hereditary cancer-predisposing syndrome. Last evaluated: 2025-11-16. Review status: criteria provided, single submitter. Criteria: Ambry Variant Classification Scheme 2023. Collection method: clinical testing. Allele origin: germline.
Comment: The p.E1789K variant (also known as c.5365G>A), located in coding exon 41 of the TSC2 gene, results from a G to A substitution at nucleotide position 5365. The glutamic acid at codon 1789 is replaced by lysine, an amino acid with similar properties. This amino acid position is conserved. In addition, this alteration is predicted to be deleterious by in silico analysis. Based on the available evidence, the clinical significance of this variant remains unclear.

Labcorp Genetics (formerly Invitae), Labcorp
Classification: Benign for Tuberous sclerosis 2. Last evaluated: 2025-06-12. Review status: criteria provided, single submitter. Criteria: Invitae Variant Classification Sherloc (09022015). Collection method: clinical testing. Allele origin: germline.